The following is an entry in ClinVar:

ClinVar aggregate classification (germline): Uncertain significance. Review status: criteria provided, single submitter (1 of 4 stars). 2 submissions from 2 submitters: Uncertain significance (1). 1 of the submissions does not count toward it. Last evaluated 2026-04-09.

Conditions:
beta Thalassemia (BTHAL). Also called: Cooley's anemia; Erythroblastic anemia; Mediterranean anemia. Identifiers: Orphanet 848, MedGen C0005283, MONDO:0019402. Disease mechanism: loss of function.

Submissions (2):

Women's Health and Genetics/Laboratory Corporation of America, LabCorp
Classification: Uncertain significance. Last evaluated: 2026-04-09. Review status: criteria provided, single submitter. Criteria: LabCorp Variant Classification Summary - May 2015. Collection method: clinical testing. Allele origin: germline.
Comment: Variant summary: HBB c.40G>A (p.Ala14Thr) results in a non-conservative amino acid change in the encoded protein sequence. Algorithms developed to predict the effect of missense changes on protein structure and function are either unavailable or do not agree on the potential impact of this missense change. The variant was absent in 251226 control chromosomes. The available data on variant occurrences in the general population are insufficient to allow any conclusion about variant significance. c.40G>A has been observed in one individual with normal hematological parameters (Zhang_2021). These report(s) do not provide unequivocal conclusions about association of the variant with Beta Thalassemia. To our knowledge, no experimental evidence demonstrating an impact on protein function has been reported. The following publication has been ascertained in the context of this evaluation (PMID: 34708592). ClinVar contains an entry for this variant (Variation ID: 995801). Based on the evidence outlined above, the variant was classified as uncertain significance.

Department of Medical Genetics, Yunnan Provincial Key Laboratory for Birth Defects and Genetic Diseases, The First People’s Hospital of Yunnan Province
Classification: Benign for beta-Thalassemia. Last evaluated: 2020-12-01. Review status: no assertion criteria provided. Collection method: clinical testing. Allele origin: inherited. Affected: yes. Observed: 1 variant allele. Not counted in ClinVar's aggregate classification.

Literature cited by the submitters: PubMed 34708592 (cited by Women's Health and Genetics/Laboratory Corporation of America, LabCorp).

NM_000518.5(HBB):c.40G>A (p.Ala14Thr)

Genes: HBB (hemoglobin subunit beta; minus strand), LOC106099062 (HBB recombination region; plus strand), LOC107133510 (origin of replication at HBB; plus strand). Cytogenetic location: 11p15.4.
Variant type: single nucleotide variant.
Coding change: c.40G>A on transcript NM_000518.5 (MANE Select); coding-DNA position 40, G replaced by A.
Protein change: p.Ala14Thr; replaces alanine 14 with threonine.
Molecular consequence: missense variant.
Genome position (GRCh38, 1-based): chr11:5,226,982, C>T on the plus strand (G>A on the coding strand, the complement: HBB is on the minus strand). VCF-style: chr11-5226982-C-T. GRCh37 (hg19) VCF-style: chr11-5248212-C-T.
Other names: short protein forms A14T.
Identifiers: ClinVar variation 995801 (VCV000995801.3), dbSNP rs766266418, ClinGen allele CA379274909.